The following is an entry in ClinVar:

NM_001042492.3(NF1):c.7922A>C (p.Glu2641Ala)

Gene: NF1 (neurofibromin 1; plus strand). Cytogenetic location: 17q11.2.
Variant type: single nucleotide variant.
Coding change: c.7922A>C on transcript NM_001042492.3 (MANE Select); coding-DNA position 7922, A replaced by C.
Protein change: p.Glu2641Ala; replaces glutamic acid 2641 with alanine.
Molecular consequence: missense variant.
Genome position (GRCh38, 1-based): chr17:31,357,321, A>C. VCF-style: chr17-31357321-A-C. GRCh37 (hg19) VCF-style: chr17-29684339-A-C.
Other names: c.7859A>C, p.Glu2620Ala (NM_000267.4); short protein forms E2641A, E2620A.
Identifiers: ClinVar variation 1478823 (VCV001478823.8), dbSNP rs876658205, ClinGen allele CA399203463.
Genomic context (GRCh38, chr17:31,357,321, plus strand): 5'-CTTGGCAGGCTACACTGGTAAAATATACCACAGATGAGTTTGATCAACGAATTCTTTATG[A>C]ATACTTAGCAGAGGCCAGTGTTGTGTTTCCCAAAGTCTTTCCTGTTGTGTAAGTATCTCC-3'
Protein context (NP_001035957.1, residues 2631-2651): TDEFDQRILY[Glu2641Ala]YLAEASVVFP

ClinVar aggregate classification (germline): Uncertain significance (1 of 4 stars; one submission).

Conditions:
Neurofibromatosis, type 1 (NF1). Also called: Neurofibromatosis, type I; VON RECKLINGHAUSEN DISEASE; NEUROFIBROMATOSIS, TYPE I, SOMATIC; Peripheral type neurofibromatosis. Identifiers: Orphanet 636, MedGen C0027831, MONDO:0018975, OMIM 162200. Disease mechanism: loss of function.

Submission:

Labcorp Genetics (formerly Invitae), Labcorp
Classification: Uncertain significance for Neurofibromatosis, type 1. Last evaluated: 2021-02-24. Review status: criteria provided, single submitter. Criteria: Invitae Variant Classification Sherloc (09022015). Collection method: clinical testing. Allele origin: germline.
Comment: In summary, the available evidence is currently insufficient to determine the role of this variant in disease. Therefore, it has been classified as a Variant of Uncertain Significance. Algorithms developed to predict the effect of missense changes on protein structure and function output the following: SIFT: "Tolerated"; PolyPhen-2: "Probably Damaging"; Align-GVGD: "Class C0". The alanine amino acid residue is found in multiple mammalian species, suggesting that this missense change does not adversely affect protein function. These predictions have not been confirmed by published functional studies and their clinical significance is uncertain. This variant has not been reported in the literature in individuals with NF1-related conditions. This variant is not present in population databases (ExAC no frequency). This sequence change replaces glutamic acid with alanine at codon 2620 of the NF1 protein (p.Glu2620Ala). The glutamic acid residue is moderately conserved and there is a moderate physicochemical difference between glutamic acid and alanine.